The following is an entry in ClinVar:

ClinVar aggregate classification (germline): Likely benign. Review status: criteria provided, single submitter (1 of 4 stars). 2 submissions from 2 submitters: Likely benign (1). 1 of the submissions does not count toward it. Last evaluated 2024-09-14.

Conditions:
PAFAH1B1-related disorder. Also called: PAFAH1B1-related condition.

Allele frequency attached by ClinVar (database versions not stated): gnomAD exomes below 0.00001.
gnomAD v4.1: 1 of 1,612,448 alleles (0.000062%); highest among the groups gnomAD compares: South Asian, 0.0011%; no homozygotes.

Submissions (2):

Labcorp Genetics (formerly Invitae), Labcorp
Classification: Likely benign. Last evaluated: 2024-09-14. Review status: criteria provided, single submitter. Criteria: Invitae Variant Classification Sherloc (09022015). Collection method: clinical testing. Allele origin: germline.

PreventionGenetics, part of Exact Sciences
Classification: Likely benign for PAFAH1B1-related condition. Last evaluated: 2019-07-22. Review status: no assertion criteria provided. Collection method: clinical testing. Allele origin: germline. Not counted in ClinVar's aggregate classification.
Comment: This variant is classified as likely benign based on ACMG/AMP sequence variant interpretation guidelines (Richards et al. 2015 PMID: 25741868, with internal and published modifications).

NM_000430.4(PAFAH1B1):c.32+8T>G

Gene: PAFAH1B1 (platelet activating factor acetylhydrolase 1b regulatory subunit 1; plus strand). Cytogenetic location: 17p13.3.
Variant type: single nucleotide variant.
Coding change: c.32+8T>G on transcript NM_000430.4 (MANE Select); 8 bases into the intron after coding-DNA position 32, T replaced by G.
Molecular consequence: intron variant.
Genome position (GRCh38, 1-based): chr17:2,638,328, T>G. VCF-style: chr17-2638328-T-G. GRCh37 (hg19) VCF-style: chr17-2541622-T-G.
Identifiers: ClinVar variation 3050319 (VCV003050319.4), dbSNP rs2544028602, ClinGen allele CA2635349009.